The following is an entry in ClinVar:

ClinVar aggregate classification (germline): Likely benign. Review status: criteria provided, single submitter (1 of 4 stars). 2 submissions from 2 submitters: Likely benign (1). 1 of the submissions does not count toward it. Last evaluated 2023-11-20.

Conditions:
CAD-related disorder. Also called: CAD-related condition.

Allele frequency attached by ClinVar (database versions not stated): gnomAD 0.00001; TOPMed 0.00001; ExAC 0.00005; gnomAD exomes 0.00005 and 0.00006.
gnomAD v4.1: 85 of 1,613,986 alleles (0.0053%); highest among the groups gnomAD compares: South Asian, 0.025%; no homozygotes.

Submissions (2):

Labcorp Genetics (formerly Invitae), Labcorp
Classification: Likely benign. Last evaluated: 2023-11-20. Review status: criteria provided, single submitter. Criteria: Invitae Variant Classification Sherloc (09022015). Collection method: clinical testing. Allele origin: germline.

PreventionGenetics, part of Exact Sciences
Classification: Likely benign for CAD-related condition. Last evaluated: 2019-05-22. Review status: no assertion criteria provided. Collection method: clinical testing. Allele origin: germline. Not counted in ClinVar's aggregate classification.
Comment: This variant is classified as likely benign based on ACMG/AMP sequence variant interpretation guidelines (Richards et al. 2015 PMID: 25741868, with internal and published modifications).

NM_004341.5(CAD):c.3348C>T (p.Ala1116=)

Gene: CAD (carbamoyl-phosphate synthetase 2, aspartate transcarbamylase, and dihydroorotase; plus strand). Cytogenetic location: 2p23.3.
Variant type: single nucleotide variant.
Coding change: c.3348C>T on transcript NM_004341.5 (MANE Select); coding-DNA position 3348, C replaced by T.
Protein change: p.Ala1116=; no amino-acid change (alanine 1116 retained).
Molecular consequence: synonymous variant.
Genome position (GRCh38, 1-based): chr2:27,233,757, C>T. VCF-style: chr2-27233757-C-T. GRCh37 (hg19) VCF-style: chr2-27456625-C-T.
Other names: c.3159C>T, p.Ala1053= (NM_001306079.2); c.3348C>T (NM_004341.4).
Identifiers: ClinVar variation 1624427 (VCV001624427.10), dbSNP rs771346392, ClinGen allele CA1573251.